The following is an entry in ClinVar:

NM_013308.4(GPR171):c.735G>A (p.Pro245=)

Genes: GPR171 (G protein-coupled receptor 171; minus strand), MED12L (mediator complex subunit 12L; plus strand). Cytogenetic location: 3q25.1.
Variant type: single nucleotide variant.
Coding change: c.735G>A on transcript NM_013308.4 (MANE Select); coding-DNA position 735, G replaced by A.
Protein change: p.Pro245=; no amino-acid change (proline 245 retained).
Molecular consequence: synonymous variant. On other transcripts: intron variant (2).
Genome position (GRCh38, 1-based): chr3:151,198,652, C>T on the plus strand (G>A on the coding strand, the complement: GPR171 is on the minus strand). VCF-style: chr3-151198652-C-T. GRCh37 (hg19) VCF-style: chr3-150916439-C-T.
Other names: c.2250+4986C>T (NM_001393769.1); c.2145+4986C>T (NM_053002.6).
Identifiers: ClinVar variation 2672965 (VCV002672965.23), dbSNP rs80187285, ClinGen allele CA2666919.
Genomic context (GRCh38, chr3:151,198,652, plus strand): 5'-TTTGAAGAGTGAAATCCTGGTTGAGCAATCAGTTATGACTTCTGTCTGGCTGAGGGTATA[C>T]GGGATTCGGACAATGTGGTAAGGAACAAAGCATATGATGTAGCCCGTGGTCACTAAAAGT-3'
Protein context (NP_037440.3, residues 235-255): CFVPYHIVRI[Pro245=]YTLSQTEVIT

ClinVar aggregate classification (germline): Likely benign (1 of 4 stars; one submission).

Allele frequency attached by ClinVar (database versions not stated): ExAC 0.00059; ESP Exome Variant Server 0.00092; TOPMed 0.00092; gnomAD 0.00097; 1000 Genomes Project 0.00120; gnomAD exomes 0.00144; 1000 Genomes Project 30x 0.00156.
gnomAD v4.1: 2,239 of 1,613,936 alleles (0.14%); highest among the groups gnomAD compares: Non-Finnish European, 0.17%; 2 homozygotes.

Submission:

CeGaT Center for Human Genetics Tuebingen
Classification: Likely benign. Last evaluated: 2023-11-01. Review status: criteria provided, single submitter. Criteria: CeGaT Center For Human Genetics Tuebingen Variant Classification Criteria Version 2. Collection method: clinical testing. Allele origin: germline. Affected: yes. Observed: 1 variant allele.
Comment: GPR171: BP4, BP7